The following is an entry in ClinVar:

NM_001170629.2(CHD8):c.2403A>G (p.Leu801=)

Gene: CHD8 (chromodomain helicase DNA binding protein 8; minus strand). Cytogenetic location: 14q11.2.
Variant type: single nucleotide variant.
Coding change: c.2403A>G on transcript NM_001170629.2 (MANE Select); coding-DNA position 2403, A replaced by G.
Protein change: p.Leu801=; no amino-acid change (leucine 801 retained).
Molecular consequence: synonymous variant.
Genome position (GRCh38, 1-based): chr14:21,408,787, T>C on the plus strand (A>G on the coding strand, the complement: CHD8 is on the minus strand). VCF-style: chr14-21408787-T-C. GRCh37 (hg19) VCF-style: chr14-21876946-T-C.
Other names: c.1566A>G, p.Leu522= (NM_020920.4).
Identifiers: ClinVar variation 2644065 (VCV002644065.28), dbSNP rs778725577, ClinGen allele CA7091564.

ClinVar aggregate classification (germline): Likely benign. Review status: criteria provided, multiple submitters, no conflicts (2 of 4 stars). 3 submissions from 3 submitters: Likely benign (3). Last evaluated 2025-01-13.

Allele frequency attached by ClinVar (database versions not stated): TOPMed 0.00002; ExAC 0.00004.
gnomAD v4.1: 25 of 1,609,688 alleles (0.0016%); highest among the groups gnomAD compares: South Asian, 0.0033%; no homozygotes.

Submissions (3):

Labcorp Genetics (formerly Invitae), Labcorp
Classification: Likely benign. Last evaluated: 2025-01-13. Review status: criteria provided, single submitter. Criteria: Invitae Variant Classification Sherloc (09022015). Collection method: clinical testing. Allele origin: germline.

CeGaT Center for Human Genetics Tuebingen
Classification: Likely benign. Last evaluated: 2022-04-01. Review status: criteria provided, single submitter. Criteria: CeGaT Center For Human Genetics Tuebingen Variant Classification Criteria Version 2. Collection method: clinical testing. Allele origin: germline. Affected: yes. Observed: 1 variant allele.
Comment: CHD8: BP4, BP7

Blueprint Genetics
Classification: Likely benign. Last evaluated: 2021-12-23. Review status: criteria provided, single submitter. Criteria: ACMG Guidelines, 2015. Collection method: clinical testing. Allele origin: germline.